The following is an entry in ClinVar:

NM_144991.3(TSPEAR):c.1168A>G (p.Asn390Asp)

Gene: TSPEAR (thrombospondin type laminin G domain and EAR repeats; minus strand). Cytogenetic location: 21q22.3.
Variant type: single nucleotide variant.
Coding change: c.1168A>G on transcript NM_144991.3 (MANE Select); coding-DNA position 1168, A replaced by G.
Protein change: p.Asn390Asp; replaces asparagine 390 with aspartic acid.
Molecular consequence: missense variant.
Genome position (GRCh38, 1-based): chr21:44,525,821, T>C on the plus strand (A>G on the coding strand, the complement: TSPEAR is on the minus strand). VCF-style: chr21-44525821-T-C. GRCh37 (hg19) VCF-style: chr21-45945704-T-C.
Other names: c.964A>G, p.Asn322Asp (NM_001272037.2); short protein forms N322D, N390D.
Identifiers: ClinVar variation 1707976 (VCV001707976.7), dbSNP rs139112987, ClinGen allele CA10056676.

ClinVar aggregate classification (germline): Uncertain significance. Review status: criteria provided, multiple submitters, no conflicts (2 of 4 stars). 3 submissions from 3 submitters: Uncertain significance (3). Last evaluated 2025-12-18.

Conditions:
Inborn genetic diseases. Identifiers: MedGen C0950123, MeSH D030342.

Allele frequency attached by ClinVar (database versions not stated): gnomAD exomes 0.00001; TOPMed 0.00015; gnomAD 0.00019; ExAC 0.00003; ESP Exome Variant Server 0.00008; 1000 Genomes Project 0.00020; 1000 Genomes Project 30x 0.00047.
gnomAD v4.1: 43 of 1,614,048 alleles (0.0027%); highest among the groups gnomAD compares: African/African-American, 0.049%; no homozygotes.

Submissions (3):

GeneDx
Classification: Uncertain significance. Last evaluated: 2025-12-18. Review status: criteria provided, single submitter. Criteria: GeneDx Variant Classification Process June 2021. Collection method: clinical testing. Allele origin: germline.
Comment: In silico analysis supports that this missense variant has a deleterious effect on protein structure/function; Has not been previously published as pathogenic or benign to our knowledge

Ambry Genetics
Classification: Uncertain significance for Inborn genetic diseases. Last evaluated: 2025-10-02. Review status: criteria provided, single submitter. Criteria: Ambry Variant Classification Scheme 2023. Collection method: clinical testing. Allele origin: germline.

Labcorp Genetics (formerly Invitae), Labcorp
Classification: Uncertain significance. Last evaluated: 2022-07-19. Review status: criteria provided, single submitter. Criteria: Invitae Variant Classification Sherloc (09022015). Collection method: clinical testing. Allele origin: germline.
Comment: This sequence change replaces asparagine, which is neutral and polar, with aspartic acid, which is acidic and polar, at codon 390 of the TSPEAR protein (p.Asn390Asp). In summary, the available evidence is currently insufficient to determine the role of this variant in disease. Therefore, it has been classified as a Variant of Uncertain Significance. Algorithms developed to predict the effect of missense changes on protein structure and function are either unavailable or do not agree on the potential impact of this missense change (SIFT: "Deleterious"; PolyPhen-2: "Probably Damaging"; Align-GVGD: "Class C15"). This variant has not been reported in the literature in individuals affected with TSPEAR-related conditions. This variant is present in population databases (rs139112987, gnomAD 0.02%).